The following is an entry in ClinVar:

ClinVar aggregate classification (germline): Benign. Review status: criteria provided, multiple submitters, no conflicts (2 of 4 stars). 5 submissions from 5 submitters: Benign (5). Last evaluated 2026-01-26.

Conditions:
Hereditary angioedema type 1 (HAE1). Identifiers: Orphanet 100050, Orphanet 100051, Orphanet 91378, MedGen C2717906, MONDO:0015053, OMIM 106100.

Allele frequency attached by ClinVar (database versions not stated): gnomAD exomes 0.00114 and 0.00334; ExAC 0.00413; gnomAD 0.01276 and 0.01377; TOPMed 0.01421; 1000 Genomes Project 0.01478; ESP Exome Variant Server 0.01578; 1000 Genomes Project 30x 0.01608.
gnomAD v4.1: 3,679 of 1,614,110 alleles (0.23%); highest among the groups gnomAD compares: African/African-American, 4.3%; 62 homozygotes.

Submissions (5):

Labcorp Genetics (formerly Invitae), Labcorp
Classification: Benign. Last evaluated: 2026-01-26. Review status: criteria provided, single submitter. Criteria: Invitae Variant Classification Sherloc (09022015). Collection method: clinical testing. Allele origin: germline.

Women's Health and Genetics/Laboratory Corporation of America, LabCorp
Classification: Benign. Last evaluated: 2026-01-22. Review status: criteria provided, single submitter. Criteria: LabCorp Variant Classification Summary - May 2015. Collection method: clinical testing. Allele origin: germline.

Illumina Laboratory Services, Illumina
Classification: Benign for Hereditary angioedema type 1. Last evaluated: 2018-01-12. Review status: criteria provided, single submitter. Criteria: ICSL Variant Classification Criteria 13 December 2019. Collection method: clinical testing. Allele origin: germline.
Comment: This variant was observed in the ICSL laboratory as part of a predisposition screen in an ostensibly healthy population. It had not been previously curated by ICSL or reported in the Human Gene Mutation Database (HGMD: prior to June 1st, 2018), and was therefore a candidate for classification through an automated scoring system. Utilizing variant allele frequency, disease prevalence and penetrance estimates, and inheritance mode, an automated score was calculated to assess if this variant is too frequent to cause the disease. Based on the score and internal cut-off values, a variant classified as benign is not then subjected to further curation. The score for this variant resulted in a classification of benign for this disease.

GeneDx
Classification: Benign. Last evaluated: 2017-03-30. Review status: criteria provided, single submitter. Criteria: GeneDx Variant Classification (06012015). Collection method: clinical testing. Allele origin: germline. Affected: yes.
Comment: This variant is considered likely benign or benign based on one or more of the following criteria: it is a conservative change, it occurs at a poorly conserved position in the protein, it is predicted to be benign by multiple in silico algorithms, and/or has population frequency not consistent with disease.

Breakthrough Genomics
Classification: Benign. Review status: criteria provided, single submitter. Criteria: ACMG Guidelines, 2015. Collection method: not provided. Allele origin: germline. Inheritance: Autosomal recessive inheritance. Affected: yes.

NM_000062.3(SERPING1):c.1218C>T (p.Ser406=)

Gene: SERPING1 (serpin family G member 1; plus strand). Cytogenetic location: 11q12.1.
Variant type: single nucleotide variant.
Coding change: c.1218C>T on transcript NM_000062.3 (MANE Select); coding-DNA position 1218, C replaced by T.
Protein change: p.Ser406=; no amino-acid change (serine 406 retained).
Molecular consequence: synonymous variant.
Genome position (GRCh38, 1-based): chr11:57,611,905, C>T. VCF-style: chr11-57611905-C-T. GRCh37 (hg19) VCF-style: chr11-57379378-C-T.
Other names: c.1218C>T, p.Ser406= (NM_001032295.2).
Identifiers: ClinVar variation 305028 (VCV000305028.17), dbSNP rs11229070, ClinGen allele CA6008246.
Genomic context (GRCh38, chr11:57,611,905, plus strand): 5'-GGAGATGTCCAAGTTCCAGCCCACTCTCCTAACACTACCCCGCATCAAAGTGACGACCAG[C>T]CAGGATATGCTCTCAATCATGGAGAAATTGGGTGAGCTCTGGCAGCTTAGGGTTACTCCC-3'
Protein context (NP_000053.2, residues 396-416): LTLPRIKVTT[Ser406=]QDMLSIMEKL